The following is an entry in ClinVar:

NM_004817.4(TJP2):c.3483C>A (p.Ala1161=)

Gene: TJP2 (tight junction protein 2; plus strand). Cytogenetic location: 9q21.11.
Variant type: single nucleotide variant.
Coding change: c.3483C>A on transcript NM_004817.4 (MANE Select); coding-DNA position 3483, C replaced by A.
Protein change: p.Ala1161=; no amino-acid change (alanine 1161 retained).
Molecular consequence: synonymous variant.
Genome position (GRCh38, 1-based): chr9:69,254,284, C>A. VCF-style: chr9-69254284-C-A. GRCh37 (hg19) VCF-style: chr9-71869200-C-A.
Other names: c.3483C>A (NM_004817.3); c.2973C>A, p.Ala991= (NM_001170414.2); c.3384C>A, p.Ala1128= (NM_001170415.1); c.3576C>A, p.Ala1192= (NM_001170416.2); c.3408C>A, p.Ala1136= (NM_001369870.1); c.3414C>A, p.Ala1138= (NM_001369871.1); c.3372C>A, p.Ala1124= (NM_001369872.1); c.3159C>A, p.Ala1053= (NM_001369873.1); and 3 more.
Identifiers: ClinVar variation 2972584 (VCV002972584.5), dbSNP rs199597127, ClinGen allele CA5073996.

ClinVar aggregate classification (germline): Likely benign. Review status: criteria provided, single submitter (1 of 4 stars). 2 submissions from 2 submitters: Likely benign (1). 1 of the submissions does not count toward it. Last evaluated 2024-01-26.

Conditions:
TJP2-related disorder. Also called: TJP2-related condition.

Allele frequency attached by ClinVar (database versions not stated): 1000 Genomes Project 0.00020; 1000 Genomes Project 30x 0.00031.
gnomAD v4.1: 13 of 1,614,214 alleles (0.00081%); highest among the groups gnomAD compares: East Asian, 0.029%; no homozygotes.

Submissions (2):

Labcorp Genetics (formerly Invitae), Labcorp
Classification: Likely benign. Last evaluated: 2024-01-26. Review status: criteria provided, single submitter. Criteria: Invitae Variant Classification Sherloc (09022015). Collection method: clinical testing. Allele origin: germline.

PreventionGenetics, part of Exact Sciences
Classification: Likely benign for TJP2-related condition. Last evaluated: 2022-01-21. Review status: no assertion criteria provided. Collection method: clinical testing. Allele origin: germline. Not counted in ClinVar's aggregate classification.
Comment: This variant is classified as likely benign based on ACMG/AMP sequence variant interpretation guidelines (Richards et al. 2015 PMID: 25741868, with internal and published modifications).